The following is an entry in ClinVar:

ClinVar aggregate classification (germline): Uncertain significance (1 of 4 stars; one submission).

Conditions:
Lynch syndrome 8 (LYNCH8). Also called: Colorectal cancer, hereditary nonpolyposis, type 8. Identifiers: Orphanet 144, MedGen C2750471, MONDO:0013196, OMIM 613244.

Allele frequency attached by ClinVar (database versions not stated): gnomAD exomes below 0.00001.
gnomAD v4.1: 1 of 1,614,098 alleles (0.000062%); highest among the groups gnomAD compares: South Asian, 0.0011%; no homozygotes.

Submission:

Foundation for Research in Genetics and Endocrinology, FRIGE's Institute of Human Genetics
Classification: Uncertain significance for Lynch syndrome 8. Last evaluated: 2022-09-07. Review status: criteria provided, single submitter. Criteria: ACMG Guidelines, 2015. Collection method: clinical testing. Allele origin: germline. Inheritance: Autosomal dominant inheritance. Affected: yes. Observed: 1 heterozygote.
Comment: A heterozygous missense variation in exon 3 of the EPCAM gene that results in the amino acid substitution of Lysine for Glutamic Acid at codon 72 was detected. The p.Glu72Lys variant has not been reported in the 1000 genomes and gnomAD databases . The in silico predictions of the variant are probably damaging by PolyPhen-2 (HumDiv), damaging by SIFT, LRT and Mutation Taster2 tools. The reference codon is conserved across species. In summary, the variant meets our criteria to be classified as a variant of uncertain significance.

NM_002354.3(EPCAM):c.214G>A (p.Glu72Lys)

Gene: EPCAM (epithelial cell adhesion molecule; plus strand). Cytogenetic location: 2p21.
Variant type: single nucleotide variant.
Coding change: c.214G>A on transcript NM_002354.3 (MANE Select); coding-DNA position 214, G replaced by A.
Protein change: p.Glu72Lys; replaces glutamic acid 72 with lysine.
Molecular consequence: missense variant.
Genome position (GRCh38, 1-based): chr2:47,373,837, G>A. VCF-style: chr2-47373837-G-A. GRCh37 (hg19) VCF-style: chr2-47600976-G-A.
Other names: p.Glu72Lys; short protein forms E72K.
Identifiers: ClinVar variation 1801503 (VCV001801503.3), dbSNP rs2103747052, ClinGen allele CA346722817.